The following is an entry in ClinVar:

NM_001122630.2(CDKN1C):c.*5+19_*5+20insC

Gene: CDKN1C (cyclin dependent kinase inhibitor 1C; minus strand). Cytogenetic location: 11p15.4.
Variant type: Insertion.
Coding change: c.*5+19_*5+20insC on transcript NM_001122630.2 (MANE Select); bases 19 to 20 of the intron after 5 bases downstream of the stop codon, C inserted.
Molecular consequence: intron variant.
Genome position: GRCh38 VCF-style: chr11-2883979-C-CG. GRCh37 (hg19) VCF-style: chr11-2905209-C-CG.
Other names: c.391+19_391+20insC (NM_001362475.2); c.*5+19_*5+20insC (NM_001122631.2, NM_001362474.2, NM_000076.2).
Identifiers: ClinVar variation 4979010 (VCV004979010.1).

ClinVar aggregate classification (germline): Likely benign (1 of 4 stars; one submission).

Conditions:
CDKN1C-related disorder. Also called: CDKN1C-related condition.

Submission:

PreventionGenetics, part of Exact Sciences
Classification: Likely benign for CDKN1C-related condition. Last evaluated: 2026-05-07. Review status: criteria provided, single submitter. Criteria: ACMG Guidelines, 2015. Collection method: clinical testing. Allele origin: germline.
Comment: This variant is classified as likely benign based on ACMG/AMP sequence variant interpretation guidelines (Richards et al. 2015 PMID: 25741868, with internal and published modifications).